The following is an entry in ClinVar:

NM_003803.4(MYOM1):c.4978A>C (p.Thr1660Pro)

Gene: MYOM1 (myomesin 1; minus strand). Cytogenetic location: 18p11.31.
Variant type: single nucleotide variant.
Coding change: c.4978A>C on transcript NM_003803.4 (MANE Select); coding-DNA position 4978, A replaced by C.
Protein change: p.Thr1660Pro; replaces threonine 1660 with proline.
Molecular consequence: missense variant.
Genome position (GRCh38, 1-based): chr18:3,067,342, T>G on the plus strand (A>C on the coding strand, the complement: MYOM1 is on the minus strand). VCF-style: chr18-3067342-T-G. GRCh37 (hg19) VCF-style: chr18-3067340-T-G.
Other names: c.4690A>C, p.Thr1564Pro (NM_019856.2); short protein forms T1660P, T1564P.
Identifiers: ClinVar variation 5025274 (VCV005025274.1).

ClinVar aggregate classification (germline): Uncertain significance (1 of 4 stars; one submission).

Submission:

Ambry Genetics
Classification: Uncertain significance. Last evaluated: 2026-07-13. Review status: criteria provided, single submitter. Criteria: Ambry Variant Classification Scheme 2023. Collection method: clinical testing. Allele origin: germline.
Comment: The p.T1660P variant (also known as c.4978A>C), located in coding exon 37 of the MYOM1 gene, results from an A to C substitution at nucleotide position 4978. The threonine at codon 1660 is replaced by proline, an amino acid with highly similar properties. This amino acid position is conserved. In addition, this alteration is predicted to be deleterious by in silico analysis. Based on the available evidence, the clinical significance of this variant remains unclear.